The following is an entry in ClinVar:

ClinVar aggregate classification (germline): Uncertain significance. Review status: criteria provided, single submitter (1 of 4 stars). 2 submissions from 2 submitters: Uncertain significance (1). 1 of the submissions does not count toward it. Last evaluated 2020-08-31.

Conditions:
USP9X-related disorder. Also called: USP9X-related condition.
Intellectual developmental disorder, X-linked 99. Also called: Intellectual disability, X-linked 99. Identifiers: Orphanet 777, MedGen C3806746, MONDO:0010487, OMIM 300919.

Allele frequency attached by ClinVar (database versions not stated): gnomAD 0.00001; gnomAD exomes 0.00001 and 0.00002.
gnomAD v4.1: 24 of 1,210,082 alleles (0.002%); highest among the groups gnomAD compares: Non-Finnish European, 0.0023%; no homozygotes.

Submissions (2):

Baylor Genetics
Classification: Uncertain significance for Intellectual developmental disorder, X-linked 99. Last evaluated: 2020-08-31. Review status: criteria provided, single submitter. Criteria: ACMG Guidelines, 2015. Collection method: clinical testing. Allele origin: unknown. Affected: yes.
Comment: This variant was determined to be of uncertain significance according to ACMG Guidelines, 2015 [PMID:25741868].

PreventionGenetics, part of Exact Sciences
Classification: Likely benign for USP9X-related condition. Last evaluated: 2024-09-17. Review status: no assertion criteria provided. Collection method: clinical testing. Allele origin: germline. Not counted in ClinVar's aggregate classification.
Comment: This variant is classified as likely benign based on ACMG/AMP sequence variant interpretation guidelines (Richards et al. 2015 PMID: 25741868, with internal and published modifications).

NM_001039591.3(USP9X):c.6359T>C (p.Ile2120Thr)

Gene: USP9X (ubiquitin specific peptidase 9 X-linked; plus strand). Cytogenetic location: Xp11.4.
Variant type: single nucleotide variant.
Coding change: c.6359T>C on transcript NM_001039591.3 (MANE Select); coding-DNA position 6359, T replaced by C.
Protein change: p.Ile2120Thr; replaces isoleucine 2120 with threonine.
Molecular consequence: missense variant.
Genome position (GRCh38, 1-based): chrX:41,218,521, T>C. VCF-style: chrX-41218521-T-C. GRCh37 (hg19) VCF-style: chrX-41077774-T-C.
Other names: c.6359T>C, p.Ile2120Thr (NM_001039590.3); short protein forms I2120T.
Identifiers: ClinVar variation 1028977 (VCV001028977.2), dbSNP rs1335823796, ClinGen allele CA412800190.